The following is an entry in ClinVar:

NM_000535.7(PMS2):c.2442G>A (p.Lys814=)

Gene: PMS2 (PMS1 homolog 2, mismatch repair system component; minus strand). Cytogenetic location: 7p22.1.
Variant type: single nucleotide variant.
Coding change: c.2442G>A on transcript NM_000535.7 (MANE Select); coding-DNA position 2442, G replaced by A.
Protein change: p.Lys814=; no amino-acid change (lysine 814 retained).
Molecular consequence: synonymous variant. On other transcripts: non-coding transcript variant (1).
Genome position (GRCh38, 1-based): chr7:5,977,591, C>T on the plus strand (G>A on the coding strand, the complement: PMS2 is on the minus strand). VCF-style: chr7-5977591-C-T. GRCh37 (hg19) VCF-style: chr7-6017222-C-T.
Other names: c.2037G>A, p.Lys679= (NM_001322003.2, NM_001322004.2, NM_001322005.2); c.2286G>A, p.Lys762= (NM_001322006.2); c.2124G>A, p.Lys708= (NM_001322007.2, NM_001322008.2); c.2070G>A, p.Lys690= (NM_001322009.2); c.1881G>A, p.Lys627= (NM_001322010.2); c.1509G>A, p.Lys503= (NM_001322011.2, NM_001322012.2); c.1869G>A, p.Lys623= (NM_001322013.2); c.2475G>A, p.Lys825= (NM_001322014.2); and 1 more.
Identifiers: ClinVar variation 506424 (VCV000506424.18), dbSNP rs1554293745, ClinGen allele CA453642293.

ClinVar aggregate classification (germline): Benign/Likely benign. Review status: criteria provided, multiple submitters, no conflicts (2 of 4 stars). 5 submissions from 5 submitters: Benign (1); Likely benign (4). Last evaluated 2026-01-05.

Conditions:
Hereditary nonpolyposis colorectal neoplasms. Identifiers: MedGen C0009405, MeSH D003123.
Hereditary cancer-predisposing syndrome. Also called: Hereditary neoplastic syndrome; Hereditary Cancer Syndrome; Neoplastic Syndromes, Hereditary; Tumor predisposition. Identifiers: Orphanet 140162, MedGen C0027672, MeSH D009386, MONDO:0015356.
Lynch syndrome 4 (LYNCH4). Also called: Hereditary non-polyposis colorectal cancer, type 4; Colorectal cancer, hereditary nonpolyposis, type 4. Identifiers: Orphanet 144, MedGen C1838333, MONDO:0013699, OMIM 614337. Disease mechanism: loss of function.

Submissions (5):

Labcorp Genetics (formerly Invitae), Labcorp
Classification: Likely benign for Hereditary nonpolyposis colorectal neoplasms. Last evaluated: 2026-01-05. Review status: criteria provided, single submitter. Criteria: Invitae Variant Classification Sherloc (09022015). Collection method: clinical testing. Allele origin: germline.

Myriad Genetics, Inc.
Classification: Benign for Lynch syndrome 4. Last evaluated: 2025-02-04. Review status: criteria provided, single submitter. Criteria: Myriad Autosomal Dominant, Autosomal Recessive and X-Linked Classification Criteria (2023). Collection method: clinical testing. Allele origin: unknown.
Comment: This variant is considered benign. This variant is a silent/synonymous amino acid change and it is not expected to impact splicing.

Color Diagnostics, LLC DBA Color Health
Classification: Likely benign for Hereditary cancer-predisposing syndrome. Last evaluated: 2021-11-23. Review status: criteria provided, single submitter. Criteria: ACMG Guidelines, 2015. Collection method: clinical testing. Allele origin: germline.

Ambry Genetics
Classification: Likely benign for Hereditary cancer-predisposing syndrome. Last evaluated: 2018-04-30. Review status: criteria provided, single submitter. Criteria: Ambry Variant Classification Scheme 2023. Collection method: clinical testing. Allele origin: germline.

GeneDx
Classification: Likely benign. Last evaluated: 2017-11-09. Review status: criteria provided, single submitter. Criteria: GeneDx Variant Classification (06012015). Collection method: clinical testing. Allele origin: germline. Affected: yes.
Comment: This variant is considered likely benign or benign based on one or more of the following criteria: it is a conservative change, it occurs at a poorly conserved position in the protein, it is predicted to be benign by multiple in silico algorithms, and/or has population frequency not consistent with disease.